The following is an entry in ClinVar:

ClinVar aggregate classification (germline): Uncertain significance (1 of 4 stars; one submission).

Conditions:
Wilson disease (WND). Also called: Wilson's disease. Identifiers: Orphanet 905, MedGen C0019202, MONDO:0010200, OMIM 277900. Disease mechanism: loss of function.

gnomAD v4.1: 1 of 1,611,304 alleles (0.000062%); highest among the groups gnomAD compares: Non-Finnish European, 0.000085%; no homozygotes.

Submission:

Color Diagnostics, LLC DBA Color Health
Classification: Uncertain significance for Wilson disease. Last evaluated: 2025-06-24. Review status: criteria provided, single submitter. Criteria: ACMG Guidelines, 2015. Collection method: clinical testing. Allele origin: germline.
Comment: This variant causes a T to C nucleotide substitution at the -19 position of intron 6/20 of the ATP7B gene. To our knowledge, RNA studies have not been reported for this variant. This variant has not been reported in individuals affected with ATP7B-related disorders in the literature. This variant has not been identified in the general population by the Genome Aggregation Database (gnomAD). The available evidence is insufficient to determine the role of this variant in disease conclusively. Therefore, this variant is classified as a Variant of Uncertain Significance.

NM_000053.4(ATP7B):c.1947-19T>C

Gene: ATP7B (ATPase copper transporting beta; minus strand). Cytogenetic location: 13q14.3.
Variant type: single nucleotide variant.
Coding change: c.1947-19T>C on transcript NM_000053.4 (MANE Select); 19 bases into the intron before coding-DNA position 1947, T replaced by C.
Molecular consequence: intron variant.
Genome position (GRCh38, 1-based): chr13:51,960,341, A>G on the plus strand (T>C on the coding strand, the complement: ATP7B is on the minus strand). VCF-style: chr13-51960341-A-G. GRCh37 (hg19) VCF-style: chr13-52534477-A-G.
Other names: c.1870-2734T>C (NM_001406541.1, NM_001005918.3, NM_001406546.1 and 1 more transcripts); c.1870-1797T>C (NM_001406531.1, NM_001406532.1, NM_001406540.1 and 1 more transcripts); c.1947-19T>C (NM_001406527.1, NM_001406537.1, NM_001406521.1 and 16 more transcripts); c.1774-1797T>C (NM_001406543.1); c.1614-19T>C (NM_001243182.2); c.1286-10180T>C (NM_001406548.1); c.1914-19T>C (NM_001406524.1, NM_001406514.1); c.1708-2734T>C (NM_001406547.1, NM_001406545.1); and 3 more.
Identifiers: ClinVar variation 4757250 (VCV004757250.1).